The following is an entry in ClinVar:

ClinVar aggregate classification (germline): Uncertain significance (1 of 4 stars; one submission).

Conditions:
DICER1-related tumor predisposition. Also called: DICER1 syndrome; DICER1-related pleuropulmonary blastoma cancer predisposition syndrome. Identifiers: Orphanet 284343, MedGen C3839822, MONDO:0100216.

Allele frequency attached by ClinVar (database versions not stated): gnomAD exomes below 0.00001.
gnomAD v4.1: 1 of 1,613,988 alleles (0.000062%); highest among the groups gnomAD compares: Admixed American, 0.0017%; no homozygotes.

Submission:

Labcorp Genetics (formerly Invitae), Labcorp
Classification: Uncertain significance for DICER1-related tumor predisposition. Last evaluated: 2019-12-22. Review status: criteria provided, single submitter. Criteria: Invitae Variant Classification Sherloc (09022015). Collection method: clinical testing. Allele origin: germline.
Comment: In summary, the available evidence is currently insufficient to determine the role of this variant in disease. Therefore, it has been classified as a Variant of Uncertain Significance. Algorithms developed to predict the effect of missense changes on protein structure and function are either unavailable or do not agree on the potential impact of this missense change (SIFT: "Tolerated"; PolyPhen-2: "Probably Damaging"; Align-GVGD: "Class C0"). This sequence change replaces glycine with arginine at codon 1364 of the DICER1 protein (p.Gly1364Arg). The glycine residue is highly conserved and there is a moderate physicochemical difference between glycine and arginine. This variant is not present in population databases (ExAC no frequency). This variant has not been reported in the literature in individuals with DICER1-related conditions.

NM_177438.3(DICER1):c.4090G>A (p.Gly1364Arg)

Gene: DICER1 (dicer 1, ribonuclease III; minus strand). Cytogenetic location: 14q32.13.
Variant type: single nucleotide variant.
Coding change: c.4090G>A on transcript NM_177438.3 (MANE Select); coding-DNA position 4090, G replaced by A.
Protein change: p.Gly1364Arg; replaces glycine 1364 with arginine.
Molecular consequence: missense variant.
Genome position (GRCh38, 1-based): chr14:95,099,896, C>T on the plus strand (G>A on the coding strand, the complement: DICER1 is on the minus strand). VCF-style: chr14-95099896-C-T. GRCh37 (hg19) VCF-style: chr14-95566233-C-T.
Other names: c.4090G>A, p.Gly1364Arg (NM_001195573.1, NM_001271282.3, NM_001291628.2 and 1 more transcripts); short protein forms G1364R.
Identifiers: ClinVar variation 847192 (VCV000847192.11), dbSNP rs1196046363, ClinGen allele CA390872180.
Genomic context (GRCh38, chr14:95,099,896, plus strand): 5'-CAGGAGGAAGCCAATTCACAGGGGGATCAAATATTGACACCACCATGCGGCTGGGTAGTC[C>T]CTTCTTTTTTCCAAGGCGATACAGATTACAGTTGCTGACCTTTAGCAGAAAATATTAGGA-3'
Protein context (NP_803187.1, residues 1354-1374): CNLYRLGKKK[Gly1364Arg]LPSRMVVSIF